The following is an entry in ClinVar:

ClinVar aggregate classification (germline): Uncertain significance (1 of 4 stars; one submission).

Conditions:
Isolated microphthalmia 4. Identifiers: Orphanet 2542, MedGen C2751307, MONDO:0013130, OMIM 613094.
Microphthalmia, isolated, with coloboma 6 (MCOPCB6). Also called: Microphthalmia with coloboma 6, digenic; Microphthalmia with coloboma 6; MICROPHTHALMIA/COLOBOMA 6. Identifiers: Orphanet 98938, MedGen C3150968, MONDO:0013376, OMIM 613703.
Leber congenital amaurosis 17 (LCA17). Identifiers: Orphanet 65, MedGen C3715164, MONDO:0014145, OMIM 615360.
Klippel-Feil syndrome 1, autosomal dominant (KFS1). Also called: CERVICAL VERTEBRAL FUSION, AUTOSOMAL DOMINANT. Identifiers: Orphanet 2345, MedGen C1861689, MONDO:0007306, OMIM 118100.

Submission:

Labcorp Genetics (formerly Invitae), Labcorp
Classification: Uncertain significance for Isolated microphthalmia 4; Leber congenital amaurosis 17; Klippel-Feil syndrome 1, autosomal dominant; Microphthalmia, isolated, with coloboma 6. Last evaluated: 2025-05-01. Review status: criteria provided, single submitter. Criteria: Invitae Variant Classification Sherloc (09022015). Collection method: clinical testing. Allele origin: germline.
Comment: This sequence change replaces valine, which is neutral and non-polar, with alanine, which is neutral and non-polar, at codon 162 of the GDF6 protein (p.Val162Ala). This variant is not present in population databases (gnomAD no frequency). This variant has not been reported in the literature in individuals affected with GDF6-related conditions. Invitae Evidence Modeling of protein sequence and biophysical properties (such as structural, functional, and spatial information, amino acid conservation, physicochemical variation, residue mobility, and thermodynamic stability) indicates that this missense variant is not expected to disrupt GDF6 protein function with a negative predictive value of 80%. In summary, the available evidence is currently insufficient to determine the role of this variant in disease. Therefore, it has been classified as a Variant of Uncertain Significance.

NM_001001557.4(GDF6):c.485T>C (p.Val162Ala)

Gene: GDF6 (growth differentiation factor 6; minus strand). Cytogenetic location: 8q22.1.
Variant type: single nucleotide variant.
Coding change: c.485T>C on transcript NM_001001557.4 (MANE Select); coding-DNA position 485, T replaced by C.
Protein change: p.Val162Ala; replaces valine 162 with alanine.
Molecular consequence: missense variant.
Genome position (GRCh38, 1-based): chr8:96,145,446, A>G on the plus strand (T>C on the coding strand, the complement: GDF6 is on the minus strand). VCF-style: chr8-96145446-A-G. GRCh37 (hg19) VCF-style: chr8-97157674-A-G.
Other names: short protein forms V162A.
Identifiers: ClinVar variation 4794650 (VCV004794650.1).